The following is an entry in ClinVar:

NM_182914.3(SYNE2):c.19861-13C>G

Gene: SYNE2 (spectrin repeat containing nuclear envelope protein 2; plus strand). Cytogenetic location: 14q23.2.
Variant type: single nucleotide variant.
Coding change: c.19861-13C>G on transcript NM_182914.3 (MANE Select); 13 bases into the intron before coding-DNA position 19861, C replaced by G.
Molecular consequence: intron variant.
Genome position (GRCh38, 1-based): chr14:64,220,424, C>G. VCF-style: chr14-64220424-C-G. GRCh37 (hg19) VCF-style: chr14-64687142-C-G.
Other names: c.19792-13C>G (NM_015180.6); c.763-13C>G (NM_182913.4); c.385-13C>G (NM_182910.2).
Identifiers: ClinVar variation 883968 (VCV000883968.13), dbSNP rs369096632, ClinGen allele CA7224616.

ClinVar aggregate classification (germline): Benign/Likely benign. Review status: criteria provided, multiple submitters, no conflicts (2 of 4 stars). 3 submissions from 3 submitters: Benign (2); Likely benign (1). Last evaluated 2026-01-22.

Conditions:
Emery-Dreifuss muscular dystrophy 5, autosomal dominant (EDMD5). Also called: EMERY-DREIFUSS MUSCULAR DYSTROPHY 5. Identifiers: Orphanet 261, MedGen C2751805, MONDO:0013072, OMIM 612999.

Allele frequency attached by ClinVar (database versions not stated): ESP Exome Variant Server 0.00023; ExAC 0.00029; gnomAD 0.00030 and 0.00031; TOPMed 0.00036; gnomAD exomes 0.00037.
gnomAD v4.1: 1,122 of 1,613,964 alleles (0.07%); highest among the groups gnomAD compares: Non-Finnish European, 0.084%; 2 homozygotes.

Submissions (5):

Labcorp Genetics (formerly Invitae), Labcorp
Classification: Benign for Emery-Dreifuss muscular dystrophy 5, autosomal dominant. Last evaluated: 2026-01-22. Review status: criteria provided, single submitter. Criteria: Invitae Variant Classification Sherloc (09022015). Collection method: clinical testing. Allele origin: germline.

Blueprint Genetics
Classification: Likely benign. Last evaluated: 2024-10-03. Review status: criteria provided, single submitter. Criteria: ACMG Guidelines, 2015. Collection method: clinical testing. Allele origin: germline.

Illumina Laboratory Services, Illumina
Classification: Benign for Emery-Dreifuss muscular dystrophy 5, autosomal dominant. Last evaluated: 2017-05-16. Review status: criteria provided, single submitter. Criteria: ICSL Variant Classification Criteria 13 December 2019. Collection method: clinical testing. Allele origin: germline.
Comment: This variant was observed as part of a predisposition screen in an ostensibly healthy population. A literature search was performed for the gene, cDNA change, and amino acid change (where applicable). No publications were found based on this search. Allele frequency data from public databases was too high to be consistent with this variant causing disease. Therefore, this variant is classified as benign.

Dr. Peter K. Rogan Lab, Western University
No classification provided (evidence only). Condition: Lung cancer. Review status: no classification provided. Collection method: in vitro. Allele origin: not applicable. Functional consequence: retained intron. Not counted in ClinVar's aggregate classification.

Dr. Peter K. Rogan Lab, Western University
No classification provided (evidence only). Condition: Ovarian serous cystadenocarcinoma. Review status: no classification provided. Collection method: in vitro. Allele origin: not applicable. Functional consequence: retained intron. Not counted in ClinVar's aggregate classification.